The following is an entry in ClinVar:

ClinVar aggregate classification (germline): Likely benign (1 of 4 stars; one submission).

Submission:

CeGaT Center for Human Genetics Tuebingen
Classification: Likely benign. Last evaluated: 2023-10-01. Review status: criteria provided, single submitter. Criteria: CeGaT Center For Human Genetics Tuebingen Variant Classification Criteria Version 2. Collection method: clinical testing. Allele origin: germline. Affected: yes. Observed: 1 variant allele.
Comment: POLRMT: PM2:Supporting, BP4, BP7

NM_005035.4(POLRMT):c.2319C>T (p.His773=)

Gene: POLRMT (RNA polymerase mitochondrial; minus strand). Cytogenetic location: 19p13.3.
Variant type: single nucleotide variant.
Coding change: c.2319C>T on transcript NM_005035.4 (MANE Select); coding-DNA position 2319, C replaced by T.
Protein change: p.His773=; no amino-acid change (histidine 773 retained).
Molecular consequence: synonymous variant. On other transcripts: non-coding transcript variant (1).
Genome position (GRCh38, 1-based): chr19:621,379, G>A on the plus strand (C>T on the coding strand, the complement: POLRMT is on the minus strand). VCF-style: chr19-621379-G-A. GRCh37 (hg19) VCF-style: chr19-621379-G-A.
Other names: c.2319C>T, p.His773= (NM_001407805.1, NM_001407808.1, NM_001407812.1 and 4 more transcripts); c.2310C>T, p.His770= (NM_001407806.1, NM_001407809.1); c.2307C>T, p.His769= (NM_001407807.1, NM_001407810.1); c.2277C>T, p.His759= (NM_001407811.1, NM_001407813.1); c.2094C>T, p.His698= (NM_001407830.1, NM_001407832.1); c.1995C>T, p.His665= (NM_001407831.1, NM_001407833.1, NM_001407835.1 and 1 more transcripts); c.1986C>T, p.His662= (NM_001407834.1).
Identifiers: ClinVar variation 2648855 (VCV002648855.24), dbSNP rs764929279, ClinGen allele CA504876517.
Genomic context (GRCh38, chr19:621,379, plus strand): 5'-GACGCGGTCCCGCAGGTGCTGCGCCAGCGAGAGGCGGTACAGCGCCTCCGCCCGCAGGCT[G>A]TGCATCTCCCGGGCCACCTTCTGGCAGTGCGCCAGCTCACGGCGCAGCTCGGCCTTGCGG-3'
Protein context (NP_005026.3, residues 763-783): AHCQKVAREM[His773=]SLRAEALYRL